The following is an entry in ClinVar:

NM_004329.3(BMPR1A):c.817C>T (p.Arg273Ter)

Gene: BMPR1A (bone morphogenetic protein receptor type 1A; plus strand). Cytogenetic location: 10q23.2.
Variant type: single nucleotide variant.
Coding change: c.817C>T on transcript NM_004329.3 (MANE Select); coding-DNA position 817, C replaced by T.
Protein change: p.Arg273Ter; replaces arginine 273 with a stop codon.
Molecular consequence: nonsense.
Genome position (GRCh38, 1-based): chr10:86,917,275, C>T. VCF-style: chr10-86917275-C-T. GRCh37 (hg19) VCF-style: chr10-88677032-C-T.
Other names: short protein forms R273*.
Identifiers: ClinVar variation 142351 (VCV000142351.48), dbSNP rs587782400, ClinGen allele CA168144.
Genomic context (GRCh38, chr10:86,917,275, plus strand): 5'-TGGCGTGGCGAAAAAGTGGCGGTGAAAGTATTCTTTACCACTGAAGAAGCCAGCTGGTTT[C>T]GAGAAACAGAAATCTACCAAACTGTGCTAATGCGCCATGAAAACATACTTGGTGGGTACA-3'

ClinVar aggregate classification (germline): Pathogenic. Review status: criteria provided, multiple submitters, no conflicts (2 of 4 stars). 6 submissions from 6 submitters: Pathogenic (6). Last evaluated 2025-11-14.

Conditions:
Juvenile polyposis syndrome (JPS). Identifiers: Orphanet 2929, MedGen C0345893, MONDO:0017380, OMIM 174900.
Hereditary cancer-predisposing syndrome. Also called: Tumor predisposition; Hereditary neoplastic syndrome; Hereditary Cancer Syndrome; Neoplastic Syndromes, Hereditary. Identifiers: Orphanet 140162, MedGen C0027672, MeSH D009386, MONDO:0015356.

Submissions (6):

Ambry Genetics
Classification: Pathogenic for Hereditary cancer-predisposing syndrome. Last evaluated: 2025-11-14. Review status: criteria provided, single submitter. Criteria: Ambry Variant Classification Scheme 2023. Collection method: clinical testing. Allele origin: germline.
Comment: The p.R273* pathogenic mutation (also known as c.817C>T), located in coding exon 7 of the BMPR1A gene, results from a C to T substitution at nucleotide position 817. This changes the amino acid from an arginine to a stop codon within coding exon 7. This mutation was reported in one individual with colon cancer and juvenile polyps (Zhou XP et al. Am J Hum Genet, 2001 Oct;69:704-11). This variant is considered to be rare based on population cohorts in the Genome Aggregation Database (gnomAD). In addition to the clinical data presented in the literature, this alteration is expected to result in loss of function by premature protein truncation or nonsense-mediated mRNA decay. As such, this alteration is interpreted as a disease-causing mutation.

Labcorp Genetics (formerly Invitae), Labcorp
Classification: Pathogenic for Juvenile polyposis syndrome. Last evaluated: 2023-06-09. Review status: criteria provided, single submitter. Criteria: Invitae Variant Classification Sherloc (09022015). Collection method: clinical testing. Allele origin: germline.
Comment: ClinVar contains an entry for this variant (Variation ID: 142351). For these reasons, this variant has been classified as Pathogenic. This premature translational stop signal has been observed in individual(s) with Juvenile polyposis syndrome (PMID: 11536076, 18823382). This variant is not present in population databases (gnomAD no frequency). This sequence change creates a premature translational stop signal (p.Arg273*) in the BMPR1A gene. It is expected to result in an absent or disrupted protein product. Loss-of-function variants in BMPR1A are known to be pathogenic (PMID: 11536076, 12417513).

Myriad Genetics, Inc.
Classification: Pathogenic for Juvenile polyposis syndrome. Last evaluated: 2023-05-26. Review status: criteria provided, single submitter. Criteria: Myriad Autosomal Dominant, Autosomal Recessive and X-Linked Classification Criteria (2023). Collection method: clinical testing. Allele origin: unknown.
Comment: This variant is considered pathogenic. This variant creates a termination codon and is predicted to result in premature protein truncation.

CeGaT Center for Human Genetics Tuebingen
Classification: Pathogenic. Last evaluated: 2022-09-01. Review status: criteria provided, single submitter. Criteria: CeGaT Center For Human Genetics Tuebingen Variant Classification Criteria Version 2. Collection method: clinical testing. Allele origin: germline. Affected: yes. Observed: 1 variant allele.
Comment: BMPR1A: PVS1, PM2, PS4:Supporting

Color Diagnostics, LLC DBA Color Health
Classification: Pathogenic for Hereditary cancer-predisposing syndrome. Last evaluated: 2020-04-08. Review status: criteria provided, single submitter. Criteria: ACMG Guidelines, 2015. Collection method: clinical testing. Allele origin: germline.
Comment: This variant changes 1 nucleotide in exon 9 of the BMPR1A gene, creating a premature translation stop signal. This variant is expected to result in an absent or non-functional protein product. This variant has been reported in individuals affected with juvenile polyposis (PMID: 11536076, 18823382). This variant has not been identified in the general population by the Genome Aggregation Database (gnomAD). Loss of BMPR1A function is a known mechanism of disease. Based on the available evidence, this variant is classified as Pathogenic.

GeneDx
Classification: Pathogenic. Last evaluated: 2016-06-15. Review status: criteria provided, single submitter. Criteria: GeneDx Variant Classification (06012015). Collection method: clinical testing. Allele origin: germline. Affected: yes.
Comment: This variant is denoted BMPR1A c.817C>T at the cDNA level and p.Arg273Ter (R273X) at the protein level. The substitution creates a nonsense variant, which changes an Arginine to a premature stop codon (CGA>TGA), and is predicted to cause loss of normal protein function through either protein truncation or nonsense-mediated mRNA decay. This variant has been reported in association with Juvenile Polyposis Syndrome (JPS) and is considered pathogenic (Zhou 2001, Calva-Cerqueira 2009).

Literature cited by the submitters: PubMed 11536076 (cited by Ambry Genetics and Labcorp Genetics (formerly Invitae), Labcorp); PubMed 18823382 (cited by Labcorp Genetics (formerly Invitae), Labcorp); PubMed 12417513 (cited by Labcorp Genetics (formerly Invitae), Labcorp).